The following is an entry in ClinVar:

ClinVar aggregate classification (germline): Uncertain significance (1 of 4 stars; one submission).

Conditions:
Hereditary breast ovarian cancer syndrome. Also called: Hereditary breast and ovarian cancer; Hereditary breast and ovarian cancer syndrome (HBOC); Breast and ovarian cancer; Hereditary breast and/or ovarian cancer syndrome; BRCA1- and BRCA2-Associated Hereditary Breast and Ovarian Cancer; Hereditary breast and ovarian cancer syndrome. Identifiers: Orphanet 145, MedGen C0677776, MeSH D061325, MONDO:0003582. Disease mechanism: loss of function.

Submissions (2):

Labcorp Genetics (formerly Invitae), Labcorp
Classification: Uncertain significance for Hereditary breast ovarian cancer syndrome. Last evaluated: 2023-04-14. Review status: criteria provided, single submitter. Criteria: Invitae Variant Classification Sherloc (09022015). Collection method: clinical testing. Allele origin: germline.
Comment: Advanced modeling performed at Invitae incorporating data from internal and/or published experimental studies (PMID: 30209399) indicates that this missense variant is not expected to disrupt BRCA1 function. Algorithms developed to predict the effect of sequence changes on RNA splicing suggest that this variant may disrupt the consensus splice site. In summary, the available evidence is currently insufficient to determine the role of this variant in disease. Therefore, it has been classified as a Variant of Uncertain Significance. ClinVar contains an entry for this variant (Variation ID: 868342). This sequence change replaces alanine, which is neutral and non-polar, with serine, which is neutral and polar, at codon 92 of the BRCA1 protein (p.Ala92Ser). This variant is not present in population databases (gnomAD no frequency). This variant has not been reported in the literature in individuals affected with BRCA1-related conditions.

Brotman Baty Institute, University of Washington
No classification provided (evidence only). Condition: Breast-ovarian cancer, familial 1. Review status: no classification provided. Collection method: in vitro. Allele origin: not applicable. Functional consequence: functionally_normal. Not counted in ClinVar's aggregate classification.
ClinVar note: "not provided" was previously submitted as the classification for the variant. However, the classification appeared to be based only on an observation of functional data so it was converted to no classification on 2025-07-30.

Literature cited by the submitters: PubMed 30209399 (cited by Labcorp Genetics (formerly Invitae), Labcorp).

NM_007294.4(BRCA1):c.274G>T (p.Ala92Ser)

Gene: BRCA1 (BRCA1 DNA repair associated; minus strand). Cytogenetic location: 17q21.31.
Variant type: single nucleotide variant.
Coding change: c.274G>T on transcript NM_007294.4 (MANE Select); coding-DNA position 274, G replaced by T.
Protein change: p.Ala92Ser; replaces alanine 92 with serine.
Molecular consequence: missense variant. On other transcripts: non-coding transcript variant (1).
Genome position (GRCh38, 1-based): chr17:43,104,895, C>A on the plus strand (G>T on the coding strand, the complement: BRCA1 is on the minus strand). VCF-style: chr17-43104895-C-A. GRCh37 (hg19) VCF-style: chr17-41256912-C-A.
Other names: c.274G>T, p.Ala92Ser (NM_001407680.1, NM_001407681.1, NM_001407682.1 and 168 more transcripts); c.133G>T, p.Ala45Ser (NM_001407692.1, NM_001407694.1, NM_001407695.1 and 99 more transcripts); c.64G>T, p.Ala22Ser (NM_001407853.1, NM_001407879.1, NM_001407881.1 and 58 more transcripts); c.196G>T, p.Ala66Ser (NM_001407862.1, NM_001407874.1, NM_001407875.1 and 21 more transcripts); c.-108G>T (NM_001407959.1, NM_001407960.1, NM_001407962.1 and 4 more transcripts); c.142G>T, p.Ala48Ser (NM_001408451.1); short protein forms A45S, A92S, A22S, A48S, A66S.
Identifiers: ClinVar variation 868342 (VCV000868342.6), dbSNP rs863224755, ClinGen allele CA10601607.
Genomic context (GRCh38, chr17:43,104,895, plus strand): 5'-TTGAGTGTCATTCTTGGGATATTCAACACTTACACTCCAAACCTGTGTCAAGCTGAAAAG[C>A]ACAAATGATTTTCAATAGCTCTTCAACAAGTTGACTAAATCTCGTACTTTCTTGTAGGCT-3'
Protein context (NP_009225.1, residues 82-102): LVEELLKIIC[Ala92Ser]FQLDTGLEYA